The following is an entry in ClinVar:

ClinVar aggregate classification (germline): Pathogenic (1 of 4 stars; one submission).

Conditions:
Multiple congenital exostosis (EXT). Also called: Hereditary multiple exostoses; Hereditary multiple exostosis; Hereditary multiple osteochondromas; Multiple exostoses; MULTIPLE CARTILAGINOUS EXOSTOSES; Multiple osteochondromas. Identifiers: Orphanet 321, MedGen C0015306, MONDO:0005508, HP:0002762.

Submission:

Labcorp Genetics (formerly Invitae), Labcorp
Classification: Pathogenic for Multiple congenital exostosis. Last evaluated: 2023-11-17. Review status: criteria provided, single submitter. Criteria: Invitae Variant Classification Sherloc (09022015). Collection method: clinical testing. Allele origin: germline.
Comment: This sequence change creates a premature translational stop signal (p.Leu19Phefs*117) in the EXT1 gene. It is expected to result in an absent or disrupted protein product. Loss-of-function variants in EXT1 are known to be pathogenic (PMID: 10679937, 11391482, 19810120). This variant is not present in population databases (gnomAD no frequency). This variant has not been reported in the literature in individuals affected with EXT1-related conditions. For these reasons, this variant has been classified as Pathogenic.

Literature cited by the submitters: PubMed 10679937; PubMed 11391482; PubMed 19810120.

NM_000127.3(EXT1):c.55del (p.Leu19fs)

Gene: EXT1 (exostosin glycosyltransferase 1; minus strand). Cytogenetic location: 8q24.11.
Variant type: Deletion.
Coding change: c.55del on transcript NM_000127.3 (MANE Select); coding-DNA position 55, one base deleted (C; older notation c.55delC).
Protein change: p.Leu19fs; shifts the reading frame from leucine 19.
Molecular consequence: frameshift variant.
Genome position (GRCh38, 1-based): chr8:118,110,992, G deleted on the plus strand (C on the coding strand, the reverse complement: EXT1 is on the minus strand); the first of 3 consecutive G bases (chr8:118,110,992-118,110,994); deleting any one gives the same sequence. VCF-style (leftmost placement, unchanged base first): chr8-118110991-AG-A. GRCh37 (hg19) VCF-style: chr8-119123230-AG-A.
Other names: short protein forms L19fs.
Identifiers: ClinVar variation 2906001 (VCV002906001.3), dbSNP rs2488053868, ClinGen allele CA2739268965.